The following is an entry in ClinVar:

NM_014516.4(CNOT3):c.1231A>G (p.Ser411Gly)

Gene: CNOT3 (CCR4-NOT transcription complex subunit 3; plus strand). Cytogenetic location: 19q13.42.
Variant type: single nucleotide variant.
Coding change: c.1231A>G on transcript NM_014516.4 (MANE Select); coding-DNA position 1231, A replaced by G.
Protein change: p.Ser411Gly; replaces serine 411 with glycine.
Molecular consequence: missense variant. On other transcripts: non-coding transcript variant (2).
Genome position (GRCh38, 1-based): chr19:54,148,484, A>G. VCF-style: chr19-54148484-A-G. GRCh37 (hg19) VCF-style: chr19-54652219-A-G.
Other names: c.1234A>G, p.Ser412Gly (NM_001440653.1, NM_001440655.1, NM_001440657.1 and 3 more transcripts); c.1231A>G, p.Ser411Gly (NM_001440654.1, NM_001440656.1, NM_001440658.1 and 1 more transcripts); c.688A>G, p.Ser230Gly (NM_001440659.1, NM_001440660.1); short protein forms S230G, S411G, S412G.
Identifiers: ClinVar variation 5000535 (VCV005000535.1).
Genomic context (GRCh38, chr19:54,148,484, plus strand): 5'-CCCAGCGTCCAGCCTAGCGGAGGCGGAGGCGGCGGCAGCGGAGGCGGAGGGAGCAGCAGC[A>G]GTAGTAACAGCAGTGCCGGTGGAGGGGCTGGCAAGCAGAATGGCGCCACCAGTGAGTGAG-3'
Protein context (NP_055331.1, residues 401-421): GGSGGGGSSS[Ser411Gly]SNSSAGGGAG

ClinVar aggregate classification (germline): Uncertain significance (1 of 4 stars; one submission).

Conditions:
CNOT3-related disorder. Also called: CNOT3-related condition.

gnomAD v4.1: 1 of 1,560,774 alleles (0.000064%); highest among the groups gnomAD compares: Non-Finnish European, 0.000087%; no homozygotes.

Submission:

PreventionGenetics, part of Exact Sciences
Classification: Uncertain significance for CNOT3-related condition. Last evaluated: 2025-06-11. Review status: criteria provided, single submitter. Criteria: ACMG Guidelines, 2015. Collection method: clinical testing. Allele origin: germline.
Comment: The CNOT3 c.1231A>G variant is predicted to result in the amino acid substitution p.Ser411Gly. To our knowledge, this variant has not been reported in the literature or in a large population database (gnomAD), indicating this variant is rare. At this time, the clinical significance of this variant is uncertain due to the absence of conclusive functional and genetic evidence.